The following is an entry in ClinVar:

NM_002471.4(MYH6):c.2574C>T (p.Phe858=)

Gene: MYH6 (myosin heavy chain 6; minus strand). Cytogenetic location: 14q11.2.
Variant type: single nucleotide variant.
Coding change: c.2574C>T on transcript NM_002471.4 (MANE Select); coding-DNA position 2574, C replaced by T.
Protein change: p.Phe858=; no amino-acid change (phenylalanine 858 retained).
Molecular consequence: synonymous variant.
Genome position (GRCh38, 1-based): chr14:23,394,179, G>A on the plus strand (C>T on the coding strand, the complement: MYH6 is on the minus strand). VCF-style: chr14-23394179-G-A. GRCh37 (hg19) VCF-style: chr14-23863388-G-A.
Identifiers: ClinVar variation 264432 (VCV000264432.18), dbSNP rs148596692, ClinGen allele CA7115433.
Genomic context (GRCh38, chr14:23,394,179, plus strand): 5'-CTTCTCCTCCAGCTCCTTGCGGCGAGCCTCGGACTTCTCCAGCGTCTCTTTGATGCGCCC[G>A]AACTCTTCCTTCATGGTGGCCATCTCCTTCTCCGTCTCTGCGCTCTTCAGCAGCGGCTTG-3'
Protein context (NP_002462.2, residues 848-868): EKEMATMKEE[Phe858=]GRIKETLEKS

ClinVar aggregate classification (germline): Likely benign. Review status: criteria provided, multiple submitters, no conflicts (2 of 4 stars). 6 submissions from 6 submitters: Likely benign (6). Last evaluated 2026-06-05.

Conditions:
MYH6-related disorder. Also called: MYH6-related condition; MYH6-Related Disorders.
Cardiovascular phenotype. Identifiers: MedGen CN230736.
Hypertrophic cardiomyopathy 14. Identifiers: MedGen C2750467, MONDO:0013197, OMIM 613251.

Allele frequency attached by ClinVar (database versions not stated): gnomAD exomes 0.00002; ExAC 0.00004; gnomAD 0.00011; TOPMed 0.00011; ESP Exome Variant Server 0.00023.
gnomAD v4.1: 46 of 1,614,078 alleles (0.0028%); highest among the groups gnomAD compares: African/African-American, 0.024%; no homozygotes.

Submissions (6):

PreventionGenetics, part of Exact Sciences
Classification: Likely benign for MYH6-related condition. Last evaluated: 2026-06-05. Review status: criteria provided, single submitter. Criteria: ACMG Guidelines, 2015. Collection method: clinical testing. Allele origin: germline.
Comment: This variant is classified as likely benign based on ACMG/AMP sequence variant interpretation guidelines (Richards et al. 2015 PMID: 25741868, with internal and published modifications).

Labcorp Genetics (formerly Invitae), Labcorp
Classification: Likely benign for Hypertrophic cardiomyopathy 14. Last evaluated: 2023-10-03. Review status: criteria provided, single submitter. Criteria: Invitae Variant Classification Sherloc (09022015). Collection method: clinical testing. Allele origin: germline.

Women's Health and Genetics/Laboratory Corporation of America, LabCorp
Classification: Likely benign. Last evaluated: 2022-05-16. Review status: criteria provided, single submitter. Criteria: LabCorp Variant Classification Summary - May 2015. Collection method: clinical testing. Allele origin: germline.

GeneDx
Classification: Likely benign. Last evaluated: 2020-12-09. Review status: criteria provided, single submitter. Criteria: GeneDx Variant Classification Process June 2021. Collection method: clinical testing. Allele origin: germline. Affected: yes.

Ambry Genetics
Classification: Likely benign for Cardiovascular phenotype. Last evaluated: 2015-10-22. Review status: criteria provided, single submitter. Criteria: Ambry Variant Classification Scheme 2023. Collection method: clinical testing. Allele origin: germline.

Breakthrough Genomics
Classification: Likely benign. Review status: criteria provided, single submitter. Criteria: ACMG Guidelines, 2015. Collection method: not provided. Allele origin: germline. Inheritance: Autosomal dominant inheritance. Affected: yes.